The following is an entry in ClinVar:

NM_022482.5(GZF1):c.890C>T (p.Pro297Leu)

Gene: GZF1 (GDNF inducible zinc finger protein 1; plus strand). Cytogenetic location: 20p11.21.
Variant type: single nucleotide variant.
Coding change: c.890C>T on transcript NM_022482.5 (MANE Select); coding-DNA position 890, C replaced by T.
Protein change: p.Pro297Leu; replaces proline 297 with leucine.
Molecular consequence: missense variant.
Genome position (GRCh38, 1-based): chr20:23,365,273, C>T. VCF-style: chr20-23365273-C-T. GRCh37 (hg19) VCF-style: chr20-23345910-C-T.
Other names: c.890C>T, p.Pro297Leu (NM_001317012.2, NM_001317019.1); short protein forms P297L.
Identifiers: ClinVar variation 2421352 (VCV002421352.6), dbSNP rs1414276228, ClinGen allele CA408410553.

ClinVar aggregate classification (germline): Uncertain significance (1 of 4 stars; one submission).

Allele frequency attached by ClinVar (database versions not stated): gnomAD 0.00001; gnomAD exomes 0.00003; TOPMed 0.00003.
gnomAD v4.1: 43 of 1,605,992 alleles (0.0027%); highest among the groups gnomAD compares: Non-Finnish European, 0.0034%; no homozygotes.

Submission:

Labcorp Genetics (formerly Invitae), Labcorp
Classification: Uncertain significance. Last evaluated: 2025-10-10. Review status: criteria provided, single submitter. Criteria: Invitae Variant Classification Sherloc (09022015). Collection method: clinical testing. Allele origin: germline.
Comment: This sequence change replaces proline, which is neutral and non-polar, with leucine, which is neutral and non-polar, at codon 297 of the GZF1 protein (p.Pro297Leu). The frequency data for this variant in the population databases is considered unreliable, as metrics indicate poor data quality at this position in the gnomAD database. This variant has not been reported in the literature in individuals affected with GZF1-related conditions. ClinVar contains an entry for this variant (Variation ID: 2421352). An algorithm developed to predict the effect of missense changes on protein structure and function (PolyPhen-2) suggests that this variant is likely to be tolerated. In summary, the available evidence is currently insufficient to determine the role of this variant in disease. Therefore, it has been classified as a Variant of Uncertain Significance.